The following is an entry in ClinVar:

NR_046473.1(MEG3):n.1460G>A

Gene: MEG3 (maternally expressed 3; plus strand). Cytogenetic location: 14q32.2.
Variant type: single nucleotide variant.
Molecular consequence: non-coding transcript variant (on NR_046473.1).
Genome position: GRCh38 VCF-style: chr14-100846076-G-A. GRCh37 (hg19) VCF-style: chr14-101312413-G-A.
Identifiers: ClinVar variation 3046639 (VCV003046639.2), dbSNP rs546154625, ClinGen allele CA266868075.

ClinVar aggregate classification (germline): Likely benign (0 of 4 stars; one submission).

Conditions:
MEG3-related disorder. Also called: MEG3-related condition.

Allele frequency attached by ClinVar (database versions not stated): gnomAD 0.00119; TOPMed 0.00121; 1000 Genomes Project 0.00140; 1000 Genomes Project 30x 0.00187.

Submission:

PreventionGenetics, part of Exact Sciences
Classification: Likely benign for MEG3-related condition. Last evaluated: 2022-07-28. Review status: no assertion criteria provided. Collection method: clinical testing. Allele origin: germline.
Comment: This variant is classified as likely benign based on ACMG/AMP sequence variant interpretation guidelines (Richards et al. 2015 PMID: 25741868, with internal and published modifications).